The following is an entry in ClinVar:

ClinVar aggregate classification (germline): Conflicting classifications of pathogenicity. Review status: criteria provided, conflicting classifications (1 of 4 stars). 3 submissions from 3 submitters: Uncertain significance (1); Likely benign (2). Last evaluated 2025-12-16.

Conditions:
Ellis-van Creveld syndrome (EVC). Also called: Chondroectodermal dysplasia; MESOECTODERMAL DYSPLASIA. Identifiers: Orphanet 289, MedGen C0013903, MONDO:0009162, OMIM 225500.
Curry-Hall syndrome (WAD). Also called: WEYERS ACRODENTAL DYSOSTOSIS. Identifiers: Orphanet 952, MedGen C0457013, MONDO:0008673, OMIM 193530.

Allele frequency attached by ClinVar (database versions not stated): ExAC 0.00004; ESP Exome Variant Server 0.00008; gnomAD 0.00016; 1000 Genomes Project 30x 0.00031; 1000 Genomes Project 0.00040.
gnomAD v4.1: 65 of 1,614,084 alleles (0.004%); highest among the groups gnomAD compares: Middle Eastern, 0.049%; 1 homozygote.

Submissions (3):

Labcorp Genetics (formerly Invitae), Labcorp
Classification: Likely benign for Curry-Hall syndrome; Ellis-van Creveld syndrome. Last evaluated: 2025-12-16. Review status: criteria provided, single submitter. Criteria: Invitae Variant Classification Sherloc (09022015). Collection method: clinical testing. Allele origin: germline.

GeneDx
Classification: Uncertain significance. Last evaluated: 2023-06-11. Review status: criteria provided, single submitter. Criteria: GeneDx Variant Classification Process June 2021. Collection method: clinical testing. Allele origin: germline. Affected: yes.
Comment: In silico analysis supports that this missense variant does not alter protein structure/function; Has not been previously published as pathogenic or benign to our knowledge

Blueprint Genetics
Classification: Likely benign. Last evaluated: 2023-05-10. Review status: criteria provided, single submitter. Criteria: ACMG Guidelines, 2015. Collection method: clinical testing. Allele origin: germline.

NM_153717.3(EVC):c.1207G>A (p.Gly403Ser)

Gene: EVC (EvC ciliary complex subunit 1; plus strand). Cytogenetic location: 4p16.2.
Variant type: single nucleotide variant.
Coding change: c.1207G>A on transcript NM_153717.3 (MANE Select); coding-DNA position 1207, G replaced by A.
Protein change: p.Gly403Ser; replaces glycine 403 with serine.
Molecular consequence: missense variant.
Genome position (GRCh38, 1-based): chr4:5,752,944, G>A. VCF-style: chr4-5752944-G-A. GRCh37 (hg19) VCF-style: chr4-5754671-G-A.
Other names: c.1207G>A (NM_153717.2); c.1207G>A, p.Gly403Ser (NM_001306090.2, NM_001306092.2); short protein forms G403S.
Identifiers: ClinVar variation 2062344 (VCV002062344.5), dbSNP rs183114391, ClinGen allele CA2836033.
Genomic context (GRCh38, chr4:5,752,944, plus strand): 5'-GAGTTTCTGAAGCTGCAAGTCCAGGAGGAGACCAGGTGCCGGCTGGCTGCCATCTCCCAC[G>A]GCCTGGAGCTGCTGGCTGGTGAGGGGAAGCTGTCCGGGCGGCAGAAGGAGGAGCTGCTCA-3'
Protein context (NP_714928.1, residues 393-413): TRCRLAAISH[Gly403Ser]LELLAGEGKL